The following is an entry in ClinVar:

NM_007289.4(MME):c.2050C>G (p.Gln684Glu)

Gene: MME (membrane metalloendopeptidase; plus strand). Cytogenetic location: 3q25.2.
Variant type: single nucleotide variant.
Coding change: c.2050C>G on transcript NM_007289.4 (MANE Select); coding-DNA position 2050, C replaced by G.
Protein change: p.Gln684Glu; replaces glutamine 684 with glutamic acid.
Molecular consequence: missense variant.
Genome position (GRCh38, 1-based): chr3:155,172,186, C>G. VCF-style: chr3-155172186-C-G. GRCh37 (hg19) VCF-style: chr3-154889975-C-G.
Other names: c.2050C>G, p.Gln684Glu (NM_000902.5, NM_001354642.2, NM_001354643.1 and 2 more transcripts); short protein forms Q684E.
Identifiers: ClinVar variation 2430972 (VCV002430972.1), dbSNP rs200678412, ClinGen allele CA2675729.

ClinVar aggregate classification (germline): Uncertain significance (1 of 4 stars; one submission).

Allele frequency attached by ClinVar (database versions not stated): ExAC 0.00002; ESP Exome Variant Server 0.00008.
gnomAD v4.1: 11 of 1,610,480 alleles (0.00068%); highest among the groups gnomAD compares: African/African-American, 0.012%; no homozygotes.

Submission:

GeneDx
Classification: Uncertain significance. Last evaluated: 2022-08-22. Review status: criteria provided, single submitter. Criteria: GeneDx Variant Classification Process June 2021. Collection method: clinical testing. Allele origin: germline. Affected: yes.
Comment: In silico analysis supports that this missense variant has a deleterious effect on protein structure/function; Has not been previously published as pathogenic or benign to our knowledge